The following is an entry in ClinVar:

ClinVar aggregate classification (germline): Uncertain significance (1 of 4 stars; one submission).

Allele frequency attached by ClinVar (database versions not stated): ExAC 0.00001; gnomAD exomes 0.00001; TOPMed 0.00001.

Submission:

Labcorp Genetics (formerly Invitae), Labcorp
Classification: Uncertain significance. Last evaluated: 2024-09-22. Review status: criteria provided, single submitter. Criteria: Invitae Variant Classification Sherloc (09022015). Collection method: clinical testing. Allele origin: germline.
Comment: This sequence change replaces valine, which is neutral and non-polar, with methionine, which is neutral and non-polar, at codon 538 of the ABCA3 protein (p.Val538Met). This variant is present in population databases (rs778160761, gnomAD 0.01%). This variant has not been reported in the literature in individuals affected with ABCA3-related conditions. ClinVar contains an entry for this variant (Variation ID: 1920138). An algorithm developed to predict the effect of missense changes on protein structure and function outputs the following: PolyPhen-2: "Benign". The methionine amino acid residue is found in multiple mammalian species, which suggests that this missense change does not adversely affect protein function. In summary, the available evidence is currently insufficient to determine the role of this variant in disease. Therefore, it has been classified as a Variant of Uncertain Significance.

NM_001089.3(ABCA3):c.1612G>A (p.Val538Met)

Gene: ABCA3 (ATP binding cassette subfamily A member 3; minus strand). Cytogenetic location: 16p13.3.
Variant type: single nucleotide variant.
Coding change: c.1612G>A on transcript NM_001089.3 (MANE Select); coding-DNA position 1612, G replaced by A.
Protein change: p.Val538Met; replaces valine 538 with methionine.
Molecular consequence: missense variant.
Genome position (GRCh38, 1-based): chr16:2,299,532, C>T on the plus strand (G>A on the coding strand, the complement: ABCA3 is on the minus strand). VCF-style: chr16-2299532-C-T. GRCh37 (hg19) VCF-style: chr16-2349533-C-T.
Other names: short protein forms V538M.
Identifiers: ClinVar variation 1920138 (VCV001920138.4), dbSNP rs778160761, ClinGen allele CA7841159.